The following is an entry in ClinVar:

NM_153704.6(TMEM67):c.224-9_224-3del

Gene: TMEM67 (transmembrane protein 67; plus strand). Cytogenetic location: 8q22.1.
Variant type: Deletion.
Coding change: c.224-9_224-3del on transcript NM_153704.6 (MANE Select); 9 bases into the intron before coding-DNA position 224 through 3 bases into the intron before coding-DNA position 224, 7 bases deleted (TTTTTTT; older notation c.224-9_224-3delTTTTTTT).
Molecular consequence: intron variant.
Genome position (GRCh38, 1-based): chr8:93,755,769-93,755,775, TTTTTTT deleted; deleting any 7 consecutive bases within chr8:93,755,752-93,755,775 gives the same sequence; the c. name uses the placement nearest the transcript's 3' end. VCF-style (leftmost placement, unchanged base first): chr8-93755751-CTTTTTTT-C. GRCh37 (hg19) VCF-style: chr8-94767979-CTTTTTTT-C.
Other names: c.-62+632_-62+638del (NM_001142301.1).
Identifiers: ClinVar variation 4980920 (VCV004980920.1).

ClinVar aggregate classification (germline): Likely benign (1 of 4 stars; one submission).

Conditions:
TMEM67-related disorder. Also called: TMEM67-related condition; TMEM67-related disorders. Identifiers: MedGen CN239423.

Submission:

PreventionGenetics, part of Exact Sciences
Classification: Likely benign for TMEM67-related condition. Last evaluated: 2025-10-13. Review status: criteria provided, single submitter. Criteria: ACMG Guidelines, 2015. Collection method: clinical testing. Allele origin: germline.
Comment: This variant is classified as likely benign based on ACMG/AMP sequence variant interpretation guidelines (Richards et al. 2015 PMID: 25741868, with internal and published modifications).